The following is an entry in ClinVar:

NM_000642.3(AGL):c.556T>G (p.Ser186Ala)

Gene: AGL (amylo-alpha-1,6-glucosidase and 4-alpha-glucanotransferase; plus strand). Cytogenetic location: 1p21.2.
Variant type: single nucleotide variant.
Coding change: c.556T>G on transcript NM_000642.3 (MANE Select); coding-DNA position 556, T replaced by G.
Protein change: p.Ser186Ala; replaces serine 186 with alanine.
Molecular consequence: missense variant.
Genome position (GRCh38, 1-based): chr1:99,864,481, T>G. VCF-style: chr1-99864481-T-G. GRCh37 (hg19) VCF-style: chr1-100330037-T-G.
Other names: c.556T>G (NM_000642.2); c.556T>G, p.Ser186Ala (NM_000028.3, NM_000643.3, NM_000644.3 and 3 more transcripts); c.508T>G, p.Ser170Ala (NM_000646.3); c.178T>G, p.Ser60Ala (NM_001425332.1); short protein forms S170A, S186A, S60A.
Identifiers: ClinVar variation 2046958 (VCV002046958.5), dbSNP rs1650333355, ClinGen allele CA341335806.

ClinVar aggregate classification (germline): Uncertain significance. Review status: criteria provided, single submitter (1 of 4 stars). 2 submissions from 2 submitters: Uncertain significance (1). 1 of the submissions does not count toward it. Last evaluated 2022-07-22.

Conditions:
Glycogen storage disease type III (GSD3). Also called: FORBES DISEASE; Cori disease. Identifiers: Orphanet 366, MedGen C0017922, MONDO:0009291, OMIM 232400.

Allele frequency attached by ClinVar (database versions not stated): TOPMed below 0.00001.

Submissions (2):

Labcorp Genetics (formerly Invitae), Labcorp
Classification: Uncertain significance for Glycogen storage disease type III. Last evaluated: 2022-07-22. Review status: criteria provided, single submitter. Criteria: Invitae Variant Classification Sherloc (09022015). Collection method: clinical testing. Allele origin: germline.
Comment: This sequence change replaces serine, which is neutral and polar, with alanine, which is neutral and non-polar, at codon 186 of the AGL protein (p.Ser186Ala). In summary, the available evidence is currently insufficient to determine the role of this variant in disease. Therefore, it has been classified as a Variant of Uncertain Significance. Algorithms developed to predict the effect of missense changes on protein structure and function (SIFT, PolyPhen-2, Align-GVGD) all suggest that this variant is likely to be tolerated. This variant has not been reported in the literature in individuals affected with AGL-related conditions. This variant is not present in population databases (gnomAD no frequency).

Natera, Inc.
Classification: Uncertain significance for Glycogen storage disease type III. Last evaluated: 2025-03-06. Review status: no assertion criteria provided. Collection method: clinical testing. Allele origin: germline. Not counted in ClinVar's aggregate classification.